The following is an entry in ClinVar:

NM_000059.4(BRCA2):c.5237C>T (p.Ser1746Phe)

Gene: BRCA2 (BRCA2 DNA repair associated; plus strand). Cytogenetic location: 13q13.1.
Variant type: single nucleotide variant.
Coding change: c.5237C>T on transcript NM_000059.4 (MANE Select); coding-DNA position 5237, C replaced by T.
Protein change: p.Ser1746Phe; replaces serine 1746 with phenylalanine.
Molecular consequence: missense variant.
Genome position (GRCh38, 1-based): chr13:32,339,592, C>T. VCF-style: chr13-32339592-C-T. GRCh37 (hg19) VCF-style: chr13-32913729-C-T.
Other names: short protein forms S1746F.
Identifiers: ClinVar variation 1052394 (VCV001052394.12), dbSNP rs2137515447, ClinGen allele CA387784676.

ClinVar aggregate classification (germline): Conflicting classifications of pathogenicity. Review status: criteria provided, conflicting classifications (1 of 4 stars). 3 submissions from 3 submitters: Uncertain significance (2); Likely benign (1). Last evaluated 2025-03-04.

Conditions:
Hereditary cancer-predisposing syndrome. Also called: Tumor predisposition; Hereditary neoplastic syndrome; Hereditary Cancer Syndrome; Neoplastic Syndromes, Hereditary. Identifiers: Orphanet 140162, MedGen C0027672, MeSH D009386, MONDO:0015356.
Hereditary breast ovarian cancer syndrome. Also called: Hereditary breast and ovarian cancer syndrome; Hereditary breast and ovarian cancer; Hereditary breast and ovarian cancer syndrome (HBOC); BRCA1- and BRCA2-Associated Hereditary Breast and Ovarian Cancer; Hereditary breast and/or ovarian cancer syndrome; Breast and ovarian cancer. Identifiers: Orphanet 145, MedGen C0677776, MeSH D061325, MONDO:0003582. Disease mechanism: loss of function.

Allele frequency attached by ClinVar (database versions not stated): gnomAD exomes below 0.00001; gnomAD 0.00001; 1000 Genomes Project 30x 0.00016.
gnomAD v4.1: 2 of 1,610,822 alleles (0.00012%); highest among the groups gnomAD compares: Admixed American, 0.0017%; no homozygotes.

Submissions (3):

Center for Genomic Medicine, Rigshospitalet, Copenhagen University Hospital
Classification: Uncertain significance. Last evaluated: 2025-03-04. Review status: criteria provided, single submitter. Criteria: ACMG Guidelines, 2015. Collection method: clinical testing. Allele origin: germline.

Labcorp Genetics (formerly Invitae), Labcorp
Classification: Uncertain significance for Hereditary breast ovarian cancer syndrome. Last evaluated: 2024-09-08. Review status: criteria provided, single submitter. Criteria: Invitae Variant Classification Sherloc (09022015). Collection method: clinical testing. Allele origin: germline.
Comment: This sequence change replaces serine, which is neutral and polar, with phenylalanine, which is neutral and non-polar, at codon 1746 of the BRCA2 protein (p.Ser1746Phe). This variant is not present in population databases (gnomAD no frequency). This variant has not been reported in the literature in individuals affected with BRCA2-related conditions. ClinVar contains an entry for this variant (Variation ID: 1052394). Invitae Evidence Modeling of protein sequence and biophysical properties (such as structural, functional, and spatial information, amino acid conservation, physicochemical variation, residue mobility, and thermodynamic stability) indicates that this missense variant is not expected to disrupt BRCA2 protein function with a negative predictive value of 95%. In summary, the available evidence is currently insufficient to determine the role of this variant in disease. Therefore, it has been classified as a Variant of Uncertain Significance.

University of Washington Department of Laboratory Medicine, University of Washington
Classification: Likely benign for Hereditary cancer-predisposing syndrome. Last evaluated: 2023-03-23. Review status: criteria provided, single submitter. Criteria: Dines et al. (Genet Med. 2020). Collection method: curation. Allele origin: germline.
Comment: Missense variant in a coldspot region where missense variants are very unlikely to be pathogenic (PMID:31911673).

BRCA2 exon 11 coldspot. Reclassification based on statistical prior probability.